The following is an entry in ClinVar:

NM_006269.2(RP1):c.3946_3947delinsTT (p.Ala1316Phe)

Gene: RP1 (RP1 axonemal microtubule associated; plus strand). Cytogenetic location: 8q12.1.
Variant type: Indel.
Coding change: c.3946_3947delinsTT on transcript NM_006269.2 (MANE Select); coding-DNA positions 3946 to 3947, GC replaced by TT.
Protein change: p.Ala1316Phe; replaces alanine 1316 with phenylalanine.
Molecular consequence: missense variant. On other transcripts: intron variant (1).
Genome position (GRCh38, 1-based): chr8:54,627,828-54,627,829, GC replaced by TT. VCF-style: chr8-54627828-GC-TT. GRCh37 (hg19) VCF-style: chr8-55540388-GC-TT.
Other names: c.787+5540_787+5541delinsTT (NM_001375654.1); short protein forms A1316F.
Identifiers: ClinVar variation 1505955 (VCV001505955.9), dbSNP rs2129317380, ClinGen allele CA2573143177.

ClinVar aggregate classification (germline): Uncertain significance. Review status: criteria provided, multiple submitters, no conflicts (2 of 4 stars). 2 submissions from 2 submitters: Uncertain significance (2). Last evaluated 2024-12-24.

Submissions (2):

Labcorp Genetics (formerly Invitae), Labcorp
Classification: Uncertain significance. Last evaluated: 2024-12-24. Review status: criteria provided, single submitter. Criteria: Invitae Variant Classification Sherloc (09022015). Collection method: clinical testing. Allele origin: germline.
Comment: This sequence change replaces alanine, which is neutral and non-polar, with phenylalanine, which is neutral and non-polar, at codon 1316 of the RP1 protein (p.Ala1316Phe). This variant is present in population databases (no rsID available, gnomAD 0.02%), including at least one homozygous and/or hemizygous individual. This variant has not been reported in the literature in individuals affected with RP1-related conditions. ClinVar contains an entry for this variant (Variation ID: 1505955). An algorithm developed to predict the effect of missense changes on protein structure and function (PolyPhen-2) suggests that this variant is likely to be disruptive. In summary, the available evidence is currently insufficient to determine the role of this variant in disease. Therefore, it has been classified as a Variant of Uncertain Significance.

Blueprint Genetics
Classification: Uncertain significance. Last evaluated: 2023-12-29. Review status: criteria provided, single submitter. Criteria: ACMG Guidelines, 2015. Collection method: clinical testing. Allele origin: germline.